The following is an entry in ClinVar:

ClinVar aggregate classification (germline): Conflicting classifications of pathogenicity. Review status: criteria provided, conflicting classifications (1 of 4 stars). 2 submissions from 2 submitters: Uncertain significance (1); Likely benign (1). Last evaluated 2024-07-02.

gnomAD v4.1: 18 of 1,608,114 alleles (0.0011%); highest among the groups gnomAD compares: East Asian, 0.038%; no homozygotes.

Submissions (2):

Ambry Genetics
Classification: Likely benign. Last evaluated: 2024-07-02. Review status: criteria provided, single submitter. Criteria: Ambry Variant Classification Scheme 2023. Collection method: clinical testing. Allele origin: germline.

Labcorp Genetics (formerly Invitae), Labcorp
Classification: Uncertain significance. Last evaluated: 2022-08-09. Review status: criteria provided, single submitter. Criteria: Invitae Variant Classification Sherloc (09022015). Collection method: clinical testing. Allele origin: germline.
Comment: In summary, the available evidence is currently insufficient to determine the role of this variant in disease. Therefore, it has been classified as a Variant of Uncertain Significance. This sequence change affects codon 22 of the C5 mRNA. It is a 'silent' change, meaning that it does not change the encoded amino acid sequence of the C5 protein. It affects a nucleotide within the consensus splice site. This variant is present in population databases (rs777563958, gnomAD 0.05%). This variant has not been reported in the literature in individuals affected with C5-related conditions. ClinVar contains an entry for this variant (Variation ID: 1397028). Algorithms developed to predict the effect of sequence changes on RNA splicing suggest that this variant is not likely to affect RNA splicing.

NM_001735.3(C5):c.66A>C (p.Thr22=)

Gene: C5 (complement C5; minus strand). Cytogenetic location: 9q33.2.
Variant type: single nucleotide variant.
Coding change: c.66A>C on transcript NM_001735.3 (MANE Select); coding-DNA position 66, A replaced by C.
Protein change: p.Thr22=; no amino-acid change (threonine 22 retained).
Molecular consequence: synonymous variant. On other transcripts: missense variant (1).
Genome position (GRCh38, 1-based): chr9:121,046,383, T>G on the plus strand (A>C on the coding strand, the complement: C5 is on the minus strand). VCF-style: chr9-121046383-T-G. GRCh37 (hg19) VCF-style: chr9-123808661-T-G.
Other names: c.84A>C, p.Arg28Ser (NM_001317163.2); c.66A>C, p.Thr22= (NM_001317164.2); c.66A>C (NM_001735.2); short protein forms R28S.
Identifiers: ClinVar variation 1397028 (VCV001397028.6), dbSNP rs777563958, ClinGen allele CA5218469.
Genomic context (GRCh38, chr9:121,046,383, plus strand): 5'-TTGAATCACAATATTTTCAGATGCTCCAACACGGAATATTTTTGGTGCTGAAATGACATA[T>G]CTGTTGAAAAAGGAAAAGATAAGGCTCAATGTCTTTATATGACATATTTTCTTTTACTTT-3'
Protein context (NP_001726.2, residues 12-32): FLGKTWGQEQ[Thr22=]YVISAPKIFR